The following is an entry in ClinVar:

NM_012186.3(FOXE3):c.535G>A (p.Ala179Thr)

Genes: FOXE3 (forkhead box E3; plus strand), LINC01389 (long independently transcribed non-coding RNA 1389; minus strand). Cytogenetic location: 1p33.
Variant type: single nucleotide variant.
Coding change: c.535G>A on transcript NM_012186.3 (MANE Select); coding-DNA position 535, G replaced by A.
Protein change: p.Ala179Thr; replaces alanine 179 with threonine.
Molecular consequence: missense variant.
Genome position (GRCh38, 1-based): chr1:47,416,850, G>A. VCF-style: chr1-47416850-G-A. GRCh37 (hg19) VCF-style: chr1-47882522-G-A.
Other names: short protein forms A179T.
Identifiers: ClinVar variation 3761617 (VCV003761617.2).

ClinVar aggregate classification (germline): Uncertain significance (1 of 4 stars; one submission).

Conditions:
Congenital primary aphakia. Also called: Anterior segment dysgenesis 2, multiple subtypes; ANTERIOR SEGMENT DYSGENESIS 2. Identifiers: Orphanet 83461, MedGen C1853230, MONDO:0012456, OMIM 610256.
Anterior segment dysgenesis. Also called: Ocular anterior segment dysgenesis. Identifiers: Orphanet 88632, MedGen C1862839, MONDO:0019503, HP:0007700.

Submission:

Labcorp Genetics (formerly Invitae), Labcorp
Classification: Uncertain significance for Anterior segment dysgenesis; Congenital primary aphakia. Last evaluated: 2024-08-22. Review status: criteria provided, single submitter. Criteria: Invitae Variant Classification Sherloc (09022015). Collection method: clinical testing. Allele origin: germline.
Comment: This sequence change replaces alanine, which is neutral and non-polar, with threonine, which is neutral and polar, at codon 179 of the FOXE3 protein (p.Ala179Thr). This variant is not present in population databases (gnomAD no frequency). This variant has not been reported in the literature in individuals affected with FOXE3-related conditions. Invitae Evidence Modeling of protein sequence and biophysical properties (such as structural, functional, and spatial information, amino acid conservation, physicochemical variation, residue mobility, and thermodynamic stability) indicates that this missense variant is not expected to disrupt FOXE3 protein function with a negative predictive value of 80%. In summary, the available evidence is currently insufficient to determine the role of this variant in disease. Therefore, it has been classified as a Variant of Uncertain Significance.